The following is an entry in ClinVar:

ClinVar aggregate classification (germline): Uncertain significance (1 of 4 stars; one submission).

Conditions:
Immunodeficiency 104. Also called: Severe Combined Immune Deficiency, Autosomal Recessive, TCell -Negative, B Cell-Positive, NK Cell-Positive, IL7R-Related; Severe combined immunodeficiency, autosomal recessive, T cell-negative, B cell-positive, NK cell-positive; SCID, AUTOSOMAL RECESSIVE, T CELL-NEGATIVE, B CELL-POSITIVE, NK CELL-POSITIVE; IMMUNODEFICIENCY 104, SEVERE COMBINED. Identifiers: MedGen C5676890, MONDO:0012163, OMIM 608971.

Allele frequency attached by ClinVar (database versions not stated): gnomAD 0.00001; gnomAD exomes 0.00001 and 0.00004; ExAC 0.00002; TOPMed 0.00002.
gnomAD v4.1: 16 of 1,614,030 alleles (0.00099%); highest among the groups gnomAD compares: Admixed American, 0.0083%; no homozygotes.

Submission:

Labcorp Genetics (formerly Invitae), Labcorp
Classification: Uncertain significance for Immunodeficiency 104. Last evaluated: 2022-07-25. Review status: criteria provided, single submitter. Criteria: Invitae Variant Classification Sherloc (09022015). Collection method: clinical testing. Allele origin: germline.
Comment: This sequence change replaces cysteine, which is neutral and slightly polar, with phenylalanine, which is neutral and non-polar, at codon 377 of the IL7R protein (p.Cys377Phe). This variant is present in population databases (rs757426044, gnomAD 0.009%). This variant has not been reported in the literature in individuals affected with IL7R-related conditions. ClinVar contains an entry for this variant (Variation ID: 581427). Advanced modeling of protein sequence and biophysical properties (such as structural, functional, and spatial information, amino acid conservation, physicochemical variation, residue mobility, and thermodynamic stability) performed at Invitae indicates that this missense variant is not expected to disrupt IL7R protein function. In summary, the available evidence is currently insufficient to determine the role of this variant in disease. Therefore, it has been classified as a Variant of Uncertain Significance.

NM_002185.5(IL7R):c.1130G>T (p.Cys377Phe)

Gene: IL7R (interleukin 7 receptor; plus strand). Cytogenetic location: 5p13.2.
Variant type: single nucleotide variant.
Coding change: c.1130G>T on transcript NM_002185.5 (MANE Select); coding-DNA position 1130, G replaced by T.
Protein change: p.Cys377Phe; replaces cysteine 377 with phenylalanine.
Molecular consequence: missense variant. On other transcripts: non-coding transcript variant (1).
Genome position (GRCh38, 1-based): chr5:35,876,236, G>T. VCF-style: chr5-35876236-G-T. GRCh37 (hg19) VCF-style: chr5-35876338-G-T.
Other names: short protein forms C377F.
Identifiers: ClinVar variation 581427 (VCV000581427.6), dbSNP rs757426044, ClinGen allele CA3232203.
Genomic context (GRCh38, chr5:35,876,236, plus strand): 5'-CTCCAGAAAGCTTTGGAAGAGATTCATCCCTCACATGCCTGGCTGGGAATGTCAGTGCAT[G>T]TGACGCCCCTATTCTCTCCTCTTCCAGGTCCCTAGACTGCAGGGAGAGTGGCAAGAATGG-3'
Protein context (NP_002176.2, residues 367-387): LTCLAGNVSA[Cys377Phe]DAPILSSSRS